The following is an entry in ClinVar:

NM_001367721.1(CASK):c.2521-7A>C

Gene: CASK (calcium/calmodulin dependent serine protein kinase; minus strand). Cytogenetic location: Xp11.4.
Variant type: single nucleotide variant.
Coding change: c.2521-7A>C on transcript NM_001367721.1 (MANE Select); 7 bases into the intron before coding-DNA position 2521, A replaced by C.
Molecular consequence: intron variant.
Genome position (GRCh38, 1-based): chrX:41,524,041, T>G on the plus strand (A>C on the coding strand, the complement: CASK is on the minus strand). VCF-style: chrX-41524041-T-G. GRCh37 (hg19) VCF-style: chrX-41383294-T-G.
Other names: c.2434-7A>C (NM_001126055.3); c.2503-7A>C (NM_001410745.1); c.2437-7A>C (NM_001126054.3); c.2506-7A>C (NM_003688.4, NM_003688.3).
Identifiers: ClinVar variation 4807550 (VCV004807550.2).

ClinVar aggregate classification (germline): Likely benign. Review status: criteria provided, multiple submitters, no conflicts (2 of 4 stars). 2 submissions from 2 submitters: Likely benign (2). Last evaluated 2026-01-28.

Conditions:
Intellectual disability, CASK-related, X-linked. Identifiers: MedGen CN043158.
CASK-related disorder. Also called: CASK-related disorders; CASK-related condition.

gnomAD v4.1: 1 of 1,080,966 alleles (0.000093%); highest among the groups gnomAD compares: Non-Finnish European, 0.00012%; no homozygotes.

Submissions (2):

Labcorp Genetics (formerly Invitae), Labcorp
Classification: Likely benign for Intellectual disability, CASK-related, X-linked. Last evaluated: 2026-01-28. Review status: criteria provided, single submitter. Criteria: Invitae Variant Classification Sherloc (09022015). Collection method: clinical testing. Allele origin: germline.

PreventionGenetics, part of Exact Sciences
Classification: Likely benign for CASK-related condition. Last evaluated: 2024-10-04. Review status: criteria provided, single submitter. Criteria: ACMG Guidelines, 2015. Collection method: clinical testing. Allele origin: germline.
Comment: This variant is classified as likely benign based on ACMG/AMP sequence variant interpretation guidelines (Richards et al. 2015 PMID: 25741868, with internal and published modifications).